The following is an entry in ClinVar:

Conditions:
Arteriohepatic dysplasia. Also called: Alagille Syndrome. Identifiers: Orphanet 52, MedGen C0085280, MeSH D016738, MONDO:0007318.

Submission:

Gilbert/Spinner Lab, Children's Hospital of Philadelphia
No classification provided (evidence only). Condition: Alagille syndrome. Review status: no classification provided. Collection method: research. Allele origin: not applicable. Functional consequence: functionally_abnormal.
ClinVar note: "not provided" was previously submitted as the classification for the variant. However, the classification appeared to be based only on an observation of functional data so it was converted to no classification on 2025-07-30.

NM_000214.3(JAG1):c.695C>A (p.Ala232Asp)

Gene: JAG1 (jagged canonical Notch ligand 1; minus strand). Cytogenetic location: 20p12.2.
Variant type: single nucleotide variant.
Coding change: c.695C>A on transcript NM_000214.3 (MANE Select); coding-DNA position 695, C replaced by A.
Protein change: p.Ala232Asp; replaces alanine 232 with aspartic acid.
Molecular consequence: missense variant.
Genome position (GRCh38, 1-based): chr20:10,656,458, G>T on the plus strand (C>A on the coding strand, the complement: JAG1 is on the minus strand). VCF-style: chr20-10656458-G-T. GRCh37 (hg19) VCF-style: chr20-10637106-G-T.
Other names: short protein forms A232D.
Identifiers: ClinVar variation 3573354 (VCV003573354.2).